The following is an entry in ClinVar:

ClinVar aggregate classification (germline): Uncertain significance (1 of 4 stars; one submission).

Conditions:
Combined immunodeficiency due to MALT1 deficiency. Also called: Immunodeficiency 12. Identifiers: Orphanet 397964, MedGen C3809583, MONDO:0014197, OMIM 615468.

Submission:

Labcorp Genetics (formerly Invitae), Labcorp
Classification: Uncertain significance for Combined immunodeficiency due to MALT1 deficiency. Last evaluated: 2022-06-20. Review status: criteria provided, single submitter. Criteria: Invitae Variant Classification Sherloc (09022015). Collection method: clinical testing. Allele origin: germline.
Comment: This sequence change replaces phenylalanine, which is neutral and non-polar, with cysteine, which is neutral and slightly polar, at codon 514 of the MALT1 protein (p.Phe514Cys). This variant is not present in population databases (gnomAD no frequency). In summary, the available evidence is currently insufficient to determine the role of this variant in disease. Therefore, it has been classified as a Variant of Uncertain Significance. Algorithms developed to predict the effect of missense changes on protein structure and function (SIFT, PolyPhen-2, Align-GVGD) all suggest that this variant is likely to be disruptive. This variant has not been reported in the literature in individuals affected with MALT1-related conditions.

NM_006785.4(MALT1):c.1541T>G (p.Phe514Cys)

Gene: MALT1 (MALT1 paracaspase; plus strand). Cytogenetic location: 18q21.32.
Variant type: single nucleotide variant.
Coding change: c.1541T>G on transcript NM_006785.4 (MANE Select); coding-DNA position 1541, T replaced by G.
Protein change: p.Phe514Cys; replaces phenylalanine 514 with cysteine.
Molecular consequence: missense variant.
Genome position (GRCh38, 1-based): chr18:58,735,267, T>G. VCF-style: chr18-58735267-T-G. GRCh37 (hg19) VCF-style: chr18-56402499-T-G.
Other names: c.1508T>G, p.Phe503Cys (NM_173844.3); short protein forms F514C, F503C.
Identifiers: ClinVar variation 1419786 (VCV001419786.8), dbSNP rs2144466203, ClinGen allele CA402575207.
Genomic context (GRCh38, chr18:58,735,267, plus strand): 5'-AAGGAGCAGAAGCTTTTGAAATCCAGCATTCTGGATTGGCAAATGGAATCTTTATGAAAT[T>G]TTTAAAAGACAGATTATTAGAAGATAAGAAAATCACTGTGTTACTGGATGAAGTTGCAGA-3'
Protein context (NP_006776.1, residues 504-524): SGLANGIFMK[Phe514Cys]LKDRLLEDKK